The following is an entry in ClinVar:

NM_005633.4(SOS1):c.3511-16T>A

Gene: SOS1 (SOS Ras/Rac guanine nucleotide exchange factor 1; minus strand). Cytogenetic location: 2p22.1.
Variant type: single nucleotide variant.
Coding change: c.3511-16T>A on transcript NM_005633.4 (MANE Select); 16 bases into the intron before coding-DNA position 3511, T replaced by A.
Molecular consequence: intron variant.
Genome position (GRCh38, 1-based): chr2:38,986,331, A>T on the plus strand (T>A on the coding strand, the complement: SOS1 is on the minus strand). VCF-style: chr2-38986331-A-T. GRCh37 (hg19) VCF-style: chr2-39213472-A-T.
Other names: c.3490-16T>A (NM_001382394.1); c.3466-16T>A (NM_001382395.1).
Identifiers: ClinVar variation 3652687 (VCV003652687.2).

ClinVar aggregate classification (germline): Uncertain significance (1 of 4 stars; one submission).

Conditions:
RASopathy. Also called: rasopathies; Noonan spectrum disorder. Identifiers: Orphanet 536391, MedGen C5555857, MONDO:0021060.

Submission:

Labcorp Genetics (formerly Invitae), Labcorp
Classification: Uncertain significance for RASopathy. Last evaluated: 2024-05-08. Review status: criteria provided, single submitter. Criteria: Invitae Variant Classification Sherloc (09022015). Collection method: clinical testing. Allele origin: germline.
Comment: This sequence change falls in intron 22 of the SOS1 gene. It does not directly change the encoded amino acid sequence of the SOS1 protein. This variant is not present in population databases (gnomAD no frequency). This variant has not been reported in the literature in individuals affected with SOS1-related conditions. Algorithms developed to predict the effect of sequence changes on RNA splicing suggest that this variant may disrupt the consensus splice site. In summary, the available evidence is currently insufficient to determine the role of this variant in disease. Therefore, it has been classified as a Variant of Uncertain Significance.